The following is an entry in ClinVar:

ClinVar aggregate classification (germline): Pathogenic (1 of 4 stars; one submission).

Conditions:
Holoprosencephaly 3 (HPE3). Identifiers: Orphanet 2162, MedGen C1840529, MONDO:0007733, OMIM 142945.

Submission:

Laboratory of Molecular Genetics, CHU Rennes
Classification: Pathogenic for Holoprosencephaly 3. Last evaluated: 2025-02-27. Review status: criteria provided, single submitter. Criteria: ACMG Guidelines, 2015. Collection method: clinical testing. Allele origin: paternal. Inheritance: Oligogenic inheritance. Affected: yes.
Comment: The NM_000193.4:c.469A>T, is a nonsense variant in SHH which is predicted to result in a premature stop codon at position 158, and likely results in an absent or disrupted protein product (PVS1). This variant is not present in gnomAD (PM2).

NM_000193.4(SHH):c.469A>T (p.Lys157Ter)

Gene: SHH (sonic hedgehog signaling molecule; minus strand). Cytogenetic location: 7q36.3.
Variant type: single nucleotide variant.
Coding change: c.469A>T on transcript NM_000193.4 (MANE Select); coding-DNA position 469, A replaced by T.
Protein change: p.Lys157Ter; replaces lysine 157 with a stop codon.
Molecular consequence: nonsense. On other transcripts: non-coding transcript variant (2).
Genome position (GRCh38, 1-based): chr7:155,806,389, T>A on the plus strand (A>T on the coding strand, the complement: SHH is on the minus strand). VCF-style: chr7-155806389-T-A. GRCh37 (hg19) VCF-style: chr7-155599083-T-A.
Other names: c.208A>T, p.Lys70Ter (NM_001310462.2); short protein forms K157*, K70*.
Identifiers: ClinVar variation 3775130 (VCV003775130.1).